The following is an entry in ClinVar:

NM_000293.3(PHKB):c.1257T>A (p.Tyr419Ter)

Gene: PHKB (phosphorylase kinase regulatory subunit beta; plus strand). Cytogenetic location: 16q12.1.
Variant type: single nucleotide variant.
Coding change: c.1257T>A on transcript NM_000293.3 (MANE Select); coding-DNA position 1257, T replaced by A.
Protein change: p.Tyr419Ter; replaces tyrosine 419 with a stop codon.
Molecular consequence: nonsense.
Genome position (GRCh38, 1-based): chr16:47,596,425, T>A. VCF-style: chr16-47596425-T-A. GRCh37 (hg19) VCF-style: chr16-47630336-T-A.
Other names: Y418*; c.1236T>A, p.Tyr412Ter (NM_001031835.3); c.1257T>A, p.Tyr419Ter (NM_001363837.1); c.1236T>A (NM_001031835.2); short protein forms Y419*, Y412*.
Identifiers: ClinVar variation 13620 (VCV000013620.11), dbSNP rs121918021, ClinGen allele CA256914.
Genomic context (GRCh38, chr16:47,596,425, plus strand): 5'-CTCCATAGGATATCCTGTTGTACCAAAGTACTATTATGTGCCAGCTGACTTTGTAGAATA[T>A]GAAAAAAATAACCCTGGTAGTCAAAAACGATTTCCTAGCAACTGTGGCCGTGATGGAAAA-3'

ClinVar aggregate classification (germline): Pathogenic. Review status: criteria provided, multiple submitters, no conflicts (2 of 4 stars). 5 submissions from 5 submitters: Pathogenic (4). 1 of the submissions does not count toward it. Last evaluated 2026-09-02.

Conditions:
PHKB-related disorder. Also called: PHKB-related condition.
Glycogen phosphorylase kinase deficiency. Also called: Phosphorylase Kinase Deficiency; Glycogen Storage Disease Type IX. Identifiers: Orphanet 370, MedGen C0268147, MONDO:0700291.
Glycogen storage disease IXb (GSD9B). Also called: GLYCOGENOSIS OF LIVER AND MUSCLE, AUTOSOMAL RECESSIVE; GSD IXb; PHOSPHORYLASE KINASE DEFICIENCY OF LIVER AND MUSCLE, AUTOSOMAL RECESSIVE. Identifiers: Orphanet 79240, MedGen C0543514, MONDO:0009868, OMIM 261750.

Allele frequency attached by ClinVar (database versions not stated): ExAC 0.00006; gnomAD 0.00006; gnomAD exomes 0.00006; TOPMed 0.00010.
gnomAD v4.1: 178 of 1,612,040 alleles (0.011%); highest among the groups gnomAD compares: Non-Finnish European, 0.015%; no homozygotes.

Submissions (5):

PreventionGenetics, part of Exact Sciences
Classification: Pathogenic for PHKB-related condition. Last evaluated: 2026-09-02. Review status: criteria provided, single submitter. Criteria: ACMG Guidelines, 2015. Collection method: clinical testing. Allele origin: germline.
Comment: The PHKB c.1236T>A variant is predicted to result in premature protein termination (p.Tyr412*). This variant, which is also described as c.1257T>A using alternate transcript NM_000293.2, has been reported in the compound heterozygous state with a second causative PHKB variant in two unrelated patients with glycogen storage disease type IXb (GSD IXb) (reported as p.Y418ter in Burwinkel et al. 1997. PubMed ID: 9402963; reported as p.Y419ter in Beauchamp et al. 2007. PubMed ID: 17689125). This variant is reported in 0.012% of alleles in individuals of European (Non-Finnish) descent in gnomAD. Other premature protein termination variants in PHKB both up- and downstream of this variant have been reported to be causative of GSD IXb (Human Gene Mutation Database). This variant is interpreted as pathogenic.

Labcorp Genetics (formerly Invitae), Labcorp
Classification: Pathogenic for Glycogen storage disease IXb. Last evaluated: 2025-12-08. Review status: criteria provided, single submitter. Criteria: Invitae Variant Classification Sherloc (09022015). Collection method: clinical testing. Allele origin: germline.
Comment: This sequence change creates a premature translational stop signal (p.Tyr419*) in the PHKB gene. It is expected to result in an absent or disrupted protein product. Loss-of-function variants in PHKB are known to be pathogenic (PMID: 9215682, 9326319). This variant is present in population databases (rs121918021, gnomAD 0.01%). This premature translational stop signal has been observed in individual(s) with glycogen storage disease (PMID: 9215682). This variant is also known as Y418ter. ClinVar contains an entry for this variant (Variation ID: 13620). For these reasons, this variant has been classified as Pathogenic.

Blueprint Genetics
Classification: Pathogenic for PHKB-related disorders. Last evaluated: 2024-07-10. Review status: criteria provided, single submitter. Criteria: ACMG Guidelines, 2015. Collection method: clinical testing. Allele origin: germline. Affected: yes. Observed: 5 variant alleles.

Women's Health and Genetics/Laboratory Corporation of America, LabCorp
Classification: Pathogenic for Glycogen phosphorylase kinase deficiency. Last evaluated: 2024-02-08. Review status: criteria provided, single submitter. Criteria: LabCorp Variant Classification Summary - May 2015. Collection method: clinical testing. Allele origin: germline.
Comment: Variant summary: PHKB c.1257T>A (p.Tyr419X) results in a premature termination codon, predicted to cause a truncation of the encoded protein or absence of the protein due to nonsense mediated decay, which are commonly known mechanisms for disease. The variant allele was found at a frequency of 6e-05 in 251360 control chromosomes. This frequency is not significantly higher than estimated for a pathogenic variant in PHKB causing Glycogen Phosphorylase Kinase Deficiency (6e-05 vs 0.0011), allowing no conclusion about variant significance. c.1257T>A has been reported in the literature in at least one compound heterozygous individual affected with Glycogen Phosphorylase Kinase Deficiency (e.g. Burwinkel_1997). These data do not allow any conclusion about variant significance. To our knowledge, no experimental evidence demonstrating an impact on protein function has been reported. The following publication has been ascertained in the context of this evaluation (PMID: 9215682). ClinVar contains an entry for this variant (Variation ID: 13620). Based on the evidence outlined above, the variant was classified as pathogenic.

OMIM
Classification: Pathogenic for GLYCOGEN STORAGE DISEASE IXb. Last evaluated: 1997-07-01. Review status: no assertion criteria provided. Collection method: literature only. Allele origin: germline. Not counted in ClinVar's aggregate classification.

Literature cited by the submitters: PubMed 9215682 (cited by 3 submitters); PubMed 9326319 (cited by Labcorp Genetics (formerly Invitae), Labcorp).